The following is an entry in ClinVar:

NM_024675.4(PALB2):c.1731_1732insC (p.Ser578fs)

Gene: PALB2 (partner and localizer of BRCA2; minus strand). Cytogenetic location: 16p12.2.
Variant type: Insertion.
Coding change: c.1731_1732insC on transcript NM_024675.4 (MANE Select); coding-DNA positions 1731 to 1732, C inserted.
Protein change: p.Ser578fs; shifts the reading frame from serine 578.
Molecular consequence: frameshift variant. On other transcripts: 5 prime UTR variant (2), intron variant (1).
Genome position: GRCh38 VCF-style: chr16-23630422-T-TG. GRCh37 (hg19) VCF-style: chr16-23641743-T-TG.
Other names: c.1671_1672insC, p.Ser558fs (NM_001407296.1); c.1731_1732insC, p.Ser578fs (NM_001407297.1, NM_001407298.1, NM_001407299.1 and 3 more transcripts); c.846_847insC, p.Ser283fs (NM_001407304.1, NM_001407305.1, NM_001407306.1 and 5 more transcripts); c.-58_-57insC (NM_001407312.1, NM_001407313.1); c.49-1148_49-1147insC (NM_001407314.1); short protein forms S558fs, S283fs, S578fs.
Identifiers: ClinVar variation 2827761 (VCV002827761.3), dbSNP rs2506438495, ClinGen allele CA2739266677.
Genomic context (GRCh38, chr16:23,630,422, plus strand): 5'-GCATTCCATCCCTATGAAATGGAGCCGTGAAAGCATCATCATCCAAGGATAAATAAGCAC[T>TG]ATTACTCCAAGAAAGGGAATCCTCTTTTTGATGACGACTTTTCTTCCCTAAAGAAGAAAA-3'

ClinVar aggregate classification (germline): Pathogenic (1 of 4 stars; one submission).

Conditions:
Familial cancer of breast. Also called: Hereditary breast cancer; BREAST CANCER, FAMILIAL; hereditary breast carcinoma. Identifiers: Orphanet 227535, MedGen C0346153, MONDO:0016419, OMIM 114480. Disease mechanism: loss of function.

Submission:

Labcorp Genetics (formerly Invitae), Labcorp
Classification: Pathogenic for Familial cancer of breast. Last evaluated: 2023-01-12. Review status: criteria provided, single submitter. Criteria: Invitae Variant Classification Sherloc (09022015). Collection method: clinical testing. Allele origin: germline.
Comment: This sequence change creates a premature translational stop signal (p.Ser578Glnfs*8) in the PALB2 gene. It is expected to result in an absent or disrupted protein product. Loss-of-function variants in PALB2 are known to be pathogenic (PMID: 17200668, 17200671, 17200672, 24136930, 25099575). This variant is not present in population databases (gnomAD no frequency). This variant has not been reported in the literature in individuals affected with PALB2-related conditions. For these reasons, this variant has been classified as Pathogenic.

Literature cited by the submitters: PubMed 17200668; PubMed 17200671; PubMed 17200672; PubMed 24136930; PubMed 25099575.